The following is an entry in ClinVar:

ClinVar aggregate classification (germline): Uncertain significance (1 of 4 stars; one submission).

Conditions:
Autosomal recessive mendelian susceptibility to mycobacterial diseases due to complete RORgamma receptor deficiency. Also called: Immunodeficiency 42. Identifiers: Orphanet 477857, MedGen C5567647, MONDO:0014710, OMIM 616622.

Submission:

Labcorp Genetics (formerly Invitae), Labcorp
Classification: Uncertain significance for Autosomal recessive mendelian susceptibility to mycobacterial diseases due to complete RORgamma receptor deficiency. Last evaluated: 2019-03-13. Review status: criteria provided, single submitter. Criteria: Invitae Variant Classification Sherloc (09022015). Collection method: clinical testing. Allele origin: germline.
Comment: In summary, the available evidence is currently insufficient to determine the role of this variant in disease. Therefore, it has been classified as a Variant of Uncertain Significance. Algorithms developed to predict the effect of missense changes on protein structure and function (SIFT, PolyPhen-2, Align-GVGD) all suggest that this variant is likely to be disruptive, but these predictions have not been confirmed by published functional studies and their clinical significance is uncertain. This variant has not been reported in the literature in individuals with RORC-related conditions. This variant is not present in population databases (ExAC no frequency). This sequence change replaces alanine with serine at codon 335 of the RORC protein (p.Ala335Ser). The alanine residue is highly conserved and there is a moderate physicochemical difference between alanine and serine.

NM_005060.4(RORC):c.1003G>T (p.Ala335Ser)

Gene: RORC (RAR related orphan receptor C; minus strand). Cytogenetic location: 1q21.3.
Variant type: single nucleotide variant.
Coding change: c.1003G>T on transcript NM_005060.4 (MANE Select); coding-DNA position 1003, G replaced by T.
Protein change: p.Ala335Ser; replaces alanine 335 with serine.
Molecular consequence: missense variant.
Genome position (GRCh38, 1-based): chr1:151,813,551, C>A on the plus strand (G>T on the coding strand, the complement: RORC is on the minus strand). VCF-style: chr1-151813551-C-A. GRCh37 (hg19) VCF-style: chr1-151786027-C-A.
Other names: c.940G>T, p.Ala314Ser (NM_001001523.2); short protein forms A335S, A314S.
Identifiers: ClinVar variation 835360 (VCV000835360.7), dbSNP rs1651625342, ClinGen allele CA342012905.